The following is an entry in ClinVar:

ClinVar aggregate classification (germline): Uncertain significance (1 of 4 stars; one submission).

Submission:

Women's Health and Genetics/Laboratory Corporation of America, LabCorp
Classification: Uncertain significance. Last evaluated: 2024-07-25. Review status: criteria provided, single submitter. Criteria: LabCorp Variant Classification Summary - May 2015. Collection method: clinical testing. Allele origin: germline.
Comment: Variant summary: SMPD1 c.1226T>C (p.Val409Ala) results in a non-conservative amino acid change located in the Calcineurin-like phosphoesterase domain, ApaH type (IPR004843) of the encoded protein sequence. Three of four in-silico tools predict a damaging effect of the variant on protein function. The variant was absent in 280386 control chromosomes. The available data on variant occurrences in the general population are insufficient to allow any conclusion about variant significance. To our knowledge, no occurrence of c.1226T>C in individuals affected with Niemann-Pick Disease and no experimental evidence demonstrating its impact on protein function have been reported. No submitters have cited clinical-significance assessments for this variant to ClinVar. Based on the evidence outlined above, the variant was classified as uncertain significance.

NM_000543.5(SMPD1):c.1226T>C (p.Val409Ala)

Gene: SMPD1 (sphingomyelin phosphodiesterase 1; plus strand). Cytogenetic location: 11p15.4.
Variant type: single nucleotide variant.
Coding change: c.1226T>C on transcript NM_000543.5 (MANE Select); coding-DNA position 1226, T replaced by C.
Protein change: p.Val409Ala; replaces valine 409 with alanine.
Molecular consequence: missense variant. On other transcripts: non-coding transcript variant (1), intron variant (1).
Genome position (GRCh38, 1-based): chr11:6,393,350, T>C. VCF-style: chr11-6393350-T-C. GRCh37 (hg19) VCF-style: chr11-6414580-T-C.
Other names: c.1223T>C, p.Val408Ala (NM_001007593.3); c.1226T>C, p.Val409Ala (NM_001318087.2); c.305T>C, p.Val102Ala (NM_001318088.2); c.1132-267T>C (NM_001365135.2); short protein forms V102A, V408A, V409A.
Identifiers: ClinVar variation 3339335 (VCV003339335.1).
Genomic context (GRCh38, chr11:6,393,350, plus strand): 5'-GTGAGAACTTCTGGCTCTTGATCAACTCCACGGATCCCGCAGGACAGCTCCAGTGGCTGG[T>C]GGGGGAGCTTCAGGCTGCTGAGGATCGAGGAGACAAAGTGAGGGCCAGTAGTGGGAACAC-3'
Protein context (NP_000534.3, residues 399-419): TDPAGQLQWL[Val409Ala]GELQAAEDRG